The following is an entry in ClinVar:

NM_001145252.3(CFP):c.44C>T (p.Pro15Leu)

Gene: CFP (complement factor properdin; minus strand). Cytogenetic location: Xp11.23.
Variant type: single nucleotide variant.
Coding change: c.44C>T on transcript NM_001145252.3 (MANE Select); coding-DNA position 44, C replaced by T.
Protein change: p.Pro15Leu; replaces proline 15 with leucine.
Molecular consequence: missense variant.
Genome position (GRCh38, 1-based): chrX:47,629,801, G>A on the plus strand (C>T on the coding strand, the complement: CFP is on the minus strand). VCF-style: chrX-47629801-G-A. GRCh37 (hg19) VCF-style: chrX-47489200-G-A.
Other names: c.44C>T, p.Pro15Leu (NM_002621.2); short protein forms P15L.
Identifiers: ClinVar variation 1966614 (VCV001966614.5), dbSNP rs1427476310, ClinGen allele CA412839698.

ClinVar aggregate classification (germline): Uncertain significance (1 of 4 stars; one submission).

Allele frequency attached by ClinVar (database versions not stated): gnomAD exomes below 0.00001; TOPMed below 0.00001.
gnomAD v4.1: 2 of 1,168,685 alleles (0.00017%); highest among the groups gnomAD compares: Middle Eastern, 0.024%; no homozygotes.

Submission:

Labcorp Genetics (formerly Invitae), Labcorp
Classification: Uncertain significance. Last evaluated: 2022-08-26. Review status: criteria provided, single submitter. Criteria: Invitae Variant Classification Sherloc (09022015). Collection method: clinical testing. Allele origin: germline.
Comment: In summary, the available evidence is currently insufficient to determine the role of this variant in disease. Therefore, it has been classified as a Variant of Uncertain Significance. Algorithms developed to predict the effect of missense changes on protein structure and function output the following: SIFT: "Deleterious"; PolyPhen-2: "Benign"; Align-GVGD: "Class C0". The leucine amino acid residue is found in multiple mammalian species, which suggests that this missense change does not adversely affect protein function. This variant has not been reported in the literature in individuals affected with CFP-related conditions. The frequency data for this variant in the population databases is considered unreliable, as metrics indicate poor data quality at this position in the gnomAD database. This sequence change replaces proline, which is neutral and non-polar, with leucine, which is neutral and non-polar, at codon 15 of the CFP protein (p.Pro15Leu).